The following is an entry in ClinVar:

NM_012123.4(MTO1):c.1643dup (p.Asp549fs)

Gene: MTO1 (mitochondrial tRNA translation optimization 1; plus strand). Cytogenetic location: 6q13.
Variant type: Duplication.
Coding change: c.1643dup on transcript NM_012123.4 (MANE Select); coding-DNA position 1643, one base duplicated (T; older notation c.1643dupT).
Protein change: p.Asp549fs; shifts the reading frame from aspartic acid 549.
Molecular consequence: frameshift variant.
Genome position (GRCh38, 1-based): chr6:73,492,239, T duplicated. VCF-style (leftmost placement, unchanged base first): chr6-73492238-C-CT. GRCh37 (hg19) VCF-style: chr6-74201961-C-CT.
Other names: c.1763dup, p.Asp589fs (NM_001123226.2); c.1718dup, p.Asp574fs (NM_133645.3); short protein forms D549fs, D574fs, D589fs.
Identifiers: ClinVar variation 2157351 (VCV002157351.5), dbSNP rs1441249554, ClinGen allele CA827923500.

ClinVar aggregate classification (germline): Pathogenic/Likely pathogenic. Review status: criteria provided, multiple submitters, no conflicts (2 of 4 stars). 2 submissions from 2 submitters: Pathogenic (1); Likely pathogenic (1). Last evaluated 2025-12-01.

Conditions:
Mitochondrial hypertrophic cardiomyopathy with lactic acidosis due to MTO1 deficiency. Also called: Combined oxidative phosphorylation deficiency 10; CARDIOMYOPATHY, INFANTILE HYPERTROPHIC MITOCHONDRIAL, AND LACTIC ACIDOSIS. Identifiers: Orphanet 314637, MedGen C4749921, MONDO:0013865, OMIM 614702.
MTO1-related disorder. Also called: MTO1-related condition.

Allele frequency attached by ClinVar (database versions not stated): TOPMed below 0.00001; gnomAD 0.00001; gnomAD exomes 0.00001.

Submissions (2):

Labcorp Genetics (formerly Invitae), Labcorp
Classification: Pathogenic for Mitochondrial hypertrophic cardiomyopathy with lactic acidosis due to MTO1 deficiency. Last evaluated: 2025-12-01. Review status: criteria provided, single submitter. Criteria: Invitae Variant Classification Sherloc (09022015). Collection method: clinical testing. Allele origin: germline.
Comment: This sequence change creates a premature translational stop signal (p.Asp549Argfs*6) in the MTO1 gene. It is expected to result in an absent or disrupted protein product. Loss-of-function variants in MTO1 are known to be pathogenic (PMID: 22608499, 25058219). This variant is not present in population databases (gnomAD no frequency). This variant has not been reported in the literature in individuals affected with MTO1-related conditions. ClinVar contains an entry for this variant (Variation ID: 2157351). For these reasons, this variant has been classified as Pathogenic.

Blueprint Genetics
Classification: Likely pathogenic for MTO1-related disorders. Last evaluated: 2023-12-18. Review status: criteria provided, single submitter. Criteria: ACMG Guidelines, 2015. Collection method: clinical testing. Allele origin: germline. Affected: yes. Observed: 4 variant alleles.

Literature cited by the submitters: PubMed 22608499 (cited by Labcorp Genetics (formerly Invitae), Labcorp); PubMed 25058219 (cited by Labcorp Genetics (formerly Invitae), Labcorp).